The following is an entry in ClinVar:

NM_000059.4(BRCA2):c.8393_8396dup (p.Arg2799delinsSerTer)

Gene: BRCA2 (BRCA2 DNA repair associated; plus strand). Cytogenetic location: 13q13.1.
Variant type: Duplication.
Coding change: c.8393_8396dup on transcript NM_000059.4 (MANE Select); coding-DNA positions 8393 to 8396, 4 bases duplicated (CTAG; older notation c.8393_8396dupCTAG).
Protein change: p.Arg2799delinsSerTer.
Molecular consequence: nonsense.
Genome position (GRCh38, 1-based): chr13:32,370,463-32,370,466, CTAG duplicated. VCF-style (leftmost placement, unchanged base first): chr13-32370462-C-CCTAG. GRCh37 (hg19) VCF-style: chr13-32944599-C-CCTAG.
Other names: 8624insCTAG-ter2800; c.8393_8396dupCTAG (NM_000059.3).
Identifiers: ClinVar variation 267079 (VCV000267079.9), dbSNP rs886040768, ClinGen allele CA10589491.
Genomic context (GRCh38, chr13:32,370,462, plus strand): 5'-ATTTCTGCTAACAGTACTCGGCCTGCTCGCTGGTATACCAAACTTGGATTCTTTCCTGAC[C>CCTAG]CTAGACCTTTTCCTCTGCCCTTATCATCGCTTTTCAGTGATGGAGGAAATGTTGGTTGTG-3'

ClinVar aggregate classification (germline): Pathogenic. Review status: reviewed by expert panel (3 of 4 stars). 4 submissions from 4 submitters: Pathogenic (1). 3 of the submissions do not count toward it. Last evaluated 2016-10-18.

Conditions:
Hereditary cancer-predisposing syndrome. Also called: Hereditary neoplastic syndrome; Neoplastic Syndromes, Hereditary; Tumor predisposition; Hereditary Cancer Syndrome. Identifiers: Orphanet 140162, MedGen C0027672, MeSH D009386, MONDO:0015356.
Breast-ovarian cancer, familial, susceptibility to, 2 (BROVCA2). Also called: BRCA2 Hereditary Breast and Ovarian Cancer. Identifiers: Orphanet 145, MedGen C2675520, MONDO:0012933, OMIM 612555. Disease mechanism: loss of function.
Hereditary breast ovarian cancer syndrome. Also called: BRCA1- and BRCA2-Associated Hereditary Breast and Ovarian Cancer; Hereditary breast and ovarian cancer; Breast and ovarian cancer; Hereditary breast and/or ovarian cancer syndrome; Hereditary breast and ovarian cancer syndrome; Hereditary breast and ovarian cancer syndrome (HBOC). Identifiers: Orphanet 145, MedGen C0677776, MeSH D061325, MONDO:0003582. Disease mechanism: loss of function.

Submissions (4):

Evidence-based Network for the Interpretation of Germline Mutant Alleles (ENIGMA)
Classification: Pathogenic for Breast-ovarian cancer, familial, susceptibility to, 2. Last evaluated: 2016-10-18. Review status: reviewed by expert panel. Criteria: ENIGMA BRCA1/2 Classification Criteria (2015). Collection method: curation. Allele origin: germline.
Comment: Variant allele predicted to encode a truncated non-functional protein.

Labcorp Genetics (formerly Invitae), Labcorp
Classification: Pathogenic for Hereditary breast ovarian cancer syndrome. Last evaluated: 2024-01-05. Review status: criteria provided, single submitter. Criteria: Invitae Variant Classification Sherloc (09022015). Collection method: clinical testing. Allele origin: germline. Not counted in ClinVar's aggregate classification.
Comment: This sequence change creates a premature translational stop signal (p.Arg2799Serfs*2) in the BRCA2 gene. It is expected to result in an absent or disrupted protein product. Loss-of-function variants in BRCA2 are known to be pathogenic (PMID: 20104584). This variant is not present in population databases (gnomAD no frequency). This variant has not been reported in the literature in individuals affected with BRCA2-related conditions. ClinVar contains an entry for this variant (Variation ID: 267079). For these reasons, this variant has been classified as Pathogenic.

Ambry Genetics
Classification: Pathogenic for Hereditary cancer-predisposing syndrome. Last evaluated: 2023-01-30. Review status: criteria provided, single submitter. Criteria: Ambry Variant Classification Scheme 2023. Collection method: clinical testing. Allele origin: germline. Not counted in ClinVar's aggregate classification.
Comment: The c.8393_8396dupCTAG pathogenic mutation, located in coding exon 18 of the BRCA2 gene, results from a duplication of CTAG at nucleotide position 8393, causing a translational frameshift with a predicted alternate stop codon (p.R2799Sfs*2). This alteration was identified in a large, worldwide study of BRCA1/2 mutation positive families (Rebbeck TR et al. Hum Mutat, 2018 May;39:593-620). This variant is considered to be rare based on population cohorts in the Genome Aggregation Database (gnomAD). In addition to the clinical data presented in the literature, this alteration is expected to result in loss of function by premature protein truncation or nonsense-mediated mRNA decay. As such, this alteration is interpreted as a disease-causing mutation.

Consortium of Investigators of Modifiers of BRCA1/2 (CIMBA), c/o University of Cambridge
Classification: Pathogenic for Breast-ovarian cancer, familial, susceptibility to, 2. Last evaluated: 2015-10-02. Review status: criteria provided, single submitter. Criteria: CIMBA Mutation Classification guidelines May 2016. Collection method: clinical testing. Allele origin: germline. Not counted in ClinVar's aggregate classification.

Literature cited by the submitters: PubMed 20104584 (cited by Labcorp Genetics (formerly Invitae), Labcorp); PubMed 29446198 (cited by Ambry Genetics).